The following is an entry in ClinVar:

NM_005419.4(STAT2):c.1864A>C (p.Lys622Gln)

Gene: STAT2 (signal transducer and activator of transcription 2; minus strand). Cytogenetic location: 12q13.3.
Variant type: single nucleotide variant.
Coding change: c.1864A>C on transcript NM_005419.4 (MANE Select); coding-DNA position 1864, A replaced by C.
Protein change: p.Lys622Gln; replaces lysine 622 with glutamine.
Molecular consequence: missense variant.
Genome position (GRCh38, 1-based): chr12:56,346,622, T>G on the plus strand (A>C on the coding strand, the complement: STAT2 is on the minus strand). VCF-style: chr12-56346622-T-G. GRCh37 (hg19) VCF-style: chr12-56740406-T-G.
Other names: c.1864A>C, p.Lys622Gln (LRG_1329t1); c.1852A>C, p.Lys618Gln (NM_198332.2); short protein forms K622Q, K618Q.
Identifiers: ClinVar variation 570403 (VCV000570403.8), dbSNP rs151170889, ClinGen allele CA237646398.

ClinVar aggregate classification (germline): Uncertain significance (1 of 4 stars; one submission).

Conditions:
Primary immunodeficiency with post-measles-mumps-rubella vaccine viral infection. Also called: Immunodeficiency 44. Identifiers: Orphanet 431166, MedGen C4225260, MONDO:0014715, OMIM 616636.

Allele frequency attached by ClinVar (database versions not stated): gnomAD exomes below 0.00001; TOPMed below 0.00001; gnomAD 0.00001; ESP Exome Variant Server 0.00008.
gnomAD v4.1: 2 of 1,613,868 alleles (0.00012%); highest among the groups gnomAD compares: Non-Finnish European, 0.00017%; no homozygotes.

Submission:

Labcorp Genetics (formerly Invitae), Labcorp
Classification: Uncertain significance for Primary immunodeficiency with post-measles-mumps-rubella vaccine viral infection. Last evaluated: 2022-08-01. Review status: criteria provided, single submitter. Criteria: Invitae Variant Classification Sherloc (09022015). Collection method: clinical testing. Allele origin: germline.
Comment: In summary, the available evidence is currently insufficient to determine the role of this variant in disease. Therefore, it has been classified as a Variant of Uncertain Significance. Algorithms developed to predict the effect of missense changes on protein structure and function (SIFT, PolyPhen-2, Align-GVGD) all suggest that this variant is likely to be tolerated. ClinVar contains an entry for this variant (Variation ID: 570403). This variant has not been reported in the literature in individuals affected with STAT2-related conditions. This variant is present in population databases (rs151170889, gnomAD 0.0009%). This sequence change replaces lysine, which is basic and polar, with glutamine, which is neutral and polar, at codon 622 of the STAT2 protein (p.Lys622Gln).